The following is an entry in ClinVar:

NM_015046.7(SETX):c.981_982del (p.Glu327fs)

Gene: SETX (senataxin; minus strand). Cytogenetic location: 9q34.13.
Variant type: Microsatellite.
Coding change: c.981_982del on transcript NM_015046.7 (MANE Select); coding-DNA positions 981 to 982, 2 bases deleted (GA; older notation c.981_982delGA).
Protein change: p.Glu327fs; shifts the reading frame from glutamic acid 327.
Molecular consequence: frameshift variant.
Genome position (GRCh38, 1-based): chr9:132,331,305-132,331,306, TC deleted on the plus strand (GA on the coding strand, the reverse complement: SETX is on the minus strand); deleting any 2 consecutive bases within chr9:132,331,305-132,331,311 gives the same sequence; the c. name uses the placement nearest the transcript's 3' end. VCF-style (leftmost placement, unchanged base first): chr9-132331304-ATC-A. GRCh37 (hg19) VCF-style: chr9-135206691-ATC-A.
Other names: c.981_982del, p.Glu327fs (NM_001351527.2, NM_001351528.2); short protein forms E327fs.
Identifiers: ClinVar variation 4292364 (VCV004292364.2).
Genomic context (GRCh38, chr9:132,331,304, plus strand): 5'-TGATGTTTAAATCCTGACATTAGCTGAACTAACCTTACAGAGCTGTTCCGTATATGTCGG[ATC>A]TCTCTATTGTAGCTTGCGTTGTTGATAATGGTTTGAAATGCCACAATAGGATCCATAAGT-3'

ClinVar aggregate classification (germline): Pathogenic (1 of 4 stars; one submission).

Conditions:
Spinocerebellar ataxia, autosomal recessive, with axonal neuropathy 2 (SCAN2). Also called: Ataxia-ocular apraxia-2; Ataxia with Oculomotor Apraxia; ATAXIA-OCULOMOTOR APRAXIA 2; Ataxia with Oculomotor Apraxia Type 2. Identifiers: Orphanet 64753, MedGen C1853761, MONDO:0018996, OMIM 606002.

Submission:

3billion
Classification: Pathogenic for Spinocerebellar ataxia, autosomal recessive, with axonal neuropathy 2. Last evaluated: 2025-05-13. Review status: criteria provided, single submitter. Criteria: ACMG Guidelines, 2015. Collection method: clinical testing. Allele origin: germline. Affected: yes.
Comment: The variant is not observed in the gnomAD v4.1.0 dataset. Predicted Consequence/Location: Frameshift: predicted to result in a loss or disruption of normal protein function through nonsense-mediated decay (NMD) or protein truncation. Multiple pathogenic variants are reported downstream of the variant. The variant has been reported to be associated with SETX-related disorder (3billion dataset). Therefore, this variant is classified as Pathogenic according to the recommendation of ACMG/AMP guideline.